The following is an entry in ClinVar:

ClinVar aggregate classification (germline): Uncertain significance (1 of 4 stars; one submission).

Allele frequency attached by ClinVar (database versions not stated): gnomAD 0.00005; ESP Exome Variant Server 0.00015.
gnomAD v4.1: 139 of 1,614,070 alleles (0.0086%); highest among the groups gnomAD compares: Non-Finnish European, 0.011%; no homozygotes.

Submission:

GeneDx
Classification: Uncertain significance. Last evaluated: 2025-05-06. Review status: criteria provided, single submitter. Criteria: GeneDx Variant Classification Process June 2021. Collection method: clinical testing. Allele origin: germline. Affected: yes.
Comment: Observed in a patient with lamellar ichthyosis reported in the published literature, but zygosity information was not provided (PMID: 34908195); In silico analysis supports that this missense variant has a deleterious effect on protein structure/function; This variant is associated with the following publications: (PMID: 34908195)

NM_148897.3(SDR9C7):c.415G>A (p.Glu139Lys)

Gene: SDR9C7 (short chain dehydrogenase/reductase family 9C member 7; minus strand). Cytogenetic location: 12q13.3.
Variant type: single nucleotide variant.
Coding change: c.415G>A on transcript NM_148897.3 (MANE Select); coding-DNA position 415, G replaced by A.
Protein change: p.Glu139Lys; replaces glutamic acid 139 with lysine.
Molecular consequence: missense variant.
Genome position (GRCh38, 1-based): chr12:56,930,371, C>T on the plus strand (G>A on the coding strand, the complement: SDR9C7 is on the minus strand). VCF-style: chr12-56930371-C-T. GRCh37 (hg19) VCF-style: chr12-57324155-C-T.
Other names: short protein forms E139K.
Identifiers: ClinVar variation 1303869 (VCV001303869.3), dbSNP rs142269600, ClinGen allele CA6638166.